The following is an entry in ClinVar:

NM_032620.4(GTPBP3):c.11G>T (p.Gly4Val)

Gene: GTPBP3 (GTP binding protein 3, mitochondrial; plus strand). Cytogenetic location: 19p13.11.
Variant type: single nucleotide variant.
Coding change: c.11G>T on transcript NM_032620.4 (MANE Select); coding-DNA position 11, G replaced by T.
Protein change: p.Gly4Val; replaces glycine 4 with valine.
Molecular consequence: missense variant. On other transcripts: intron variant (1).
Genome position (GRCh38, 1-based): chr19:17,337,622, G>T. VCF-style: chr19-17337622-G-T. GRCh37 (hg19) VCF-style: chr19-17448431-G-T.
Other names: c.11G>T, p.Gly4Val (NM_001128855.3, NM_133644.4); c.120-386G>T (NM_001195422.1); short protein forms G4V.
Identifiers: ClinVar variation 3363619 (VCV003363619.1).

ClinVar aggregate classification (germline): Uncertain significance (1 of 4 stars; one submission).

Submission:

GeneDx
Classification: Uncertain significance. Last evaluated: 2023-10-30. Review status: criteria provided, single submitter. Criteria: GeneDx Variant Classification Process June 2021. Collection method: clinical testing. Allele origin: germline. Affected: yes.
Comment: Not observed at significant frequency in large population cohorts (gnomAD); In silico analysis supports that this missense variant does not alter protein structure/function; Has not been previously published as pathogenic or benign to our knowledge